The following is an entry in ClinVar:

NM_014484.5(MOCS3):c.607G>T (p.Ala203Ser)

Gene: MOCS3 (molybdenum cofactor synthesis 3; plus strand). Cytogenetic location: 20q13.13.
Variant type: single nucleotide variant.
Coding change: c.607G>T on transcript NM_014484.5 (MANE Select); coding-DNA position 607, G replaced by T.
Protein change: p.Ala203Ser; replaces alanine 203 with serine.
Molecular consequence: missense variant.
Genome position (GRCh38, 1-based): chr20:50,959,449, G>T. VCF-style: chr20-50959449-G-T. GRCh37 (hg19) VCF-style: chr20-49575986-G-T.
Other names: short protein forms A203S.
Identifiers: ClinVar variation 4697254 (VCV004697254.1).

ClinVar aggregate classification (germline): Uncertain significance (1 of 4 stars; one submission).

Submission:

Labcorp Genetics (formerly Invitae), Labcorp
Classification: Uncertain significance. Last evaluated: 2025-04-17. Review status: criteria provided, single submitter. Criteria: Invitae Variant Classification Sherloc (09022015). Collection method: clinical testing. Allele origin: germline.
Comment: This sequence change replaces alanine, which is neutral and non-polar, with serine, which is neutral and polar, at codon 203 of the MOCS3 protein (p.Ala203Ser). This variant is present in population databases (no rsID available, gnomAD 0.006%). This variant has not been reported in the literature in individuals affected with MOCS3-related conditions. An algorithm developed to predict the effect of missense changes on protein structure and function (PolyPhen-2) suggests that this variant is likely to be disruptive. In summary, the available evidence is currently insufficient to determine the role of this variant in disease. Therefore, it has been classified as a Variant of Uncertain Significance.